The following is an entry in ClinVar:

NM_001844.5(COL2A1):c.2478_2479del (p.Glu826fs)

Gene: COL2A1 (collagen type II alpha 1 chain; minus strand). Cytogenetic location: 12q13.11.
Variant type: Microsatellite.
Coding change: c.2478_2479del on transcript NM_001844.5 (MANE Select); coding-DNA positions 2478 to 2479, 2 bases deleted (GA; older notation c.2478_2479delGA).
Protein change: p.Glu826fs; shifts the reading frame from glutamic acid 826.
Molecular consequence: frameshift variant.
Genome position (GRCh38, 1-based): chr12:47,980,953-47,980,954, TC deleted on the plus strand (GA on the coding strand, the reverse complement: COL2A1 is on the minus strand); deleting any 2 consecutive bases within chr12:47,980,953-47,980,958 gives the same sequence; the c. name uses the placement nearest the transcript's 3' end. VCF-style (leftmost placement, unchanged base first): chr12-47980952-GTC-G. GRCh37 (hg19) VCF-style: chr12-48374735-GTC-G.
Other names: c.2271_2272del, p.Glu757fs (NM_033150.3); short protein forms E757fs, E826fs.
Identifiers: ClinVar variation 1076166 (VCV001076166.9), dbSNP rs2136539854, ClinGen allele CA2580615173.
Genomic context (GRCh38, chr12:47,980,952, plus strand): 5'-GGAGGATGGACAGAGATACTCACAGGAGGCCCAGCAAATCCCGCTGGTCCGGGGGGCCCA[GTC>G]TCTCCACGTTCACCCTGTGAGAGAAGGGGGCATGGCGAGAGGTCAGGCCCCGCTGCCTGA-3'

ClinVar aggregate classification (germline): Pathogenic (1 of 4 stars; one submission).

Submission:

Labcorp Genetics (formerly Invitae), Labcorp
Classification: Pathogenic. Last evaluated: 2020-07-15. Review status: criteria provided, single submitter. Criteria: Invitae Variant Classification Sherloc (09022015). Collection method: clinical testing. Allele origin: germline.
Comment: For these reasons, this variant has been classified as Pathogenic. Loss-of-function variants in COL2A1 are known to be pathogenic (PMID: 20179744). This variant has been observed in individual(s) with Stickler syndrome (PMID: 21777803). This variant is not present in population databases (ExAC no frequency). This sequence change creates a premature translational stop signal (p.Glu826Aspfs*16) in the COL2A1 gene. It is expected to result in an absent or disrupted protein product.

Literature cited by the submitters: PubMed 20179744; PubMed 21777803.